The following is an entry in ClinVar:

ClinVar aggregate classification (germline): Uncertain significance (1 of 4 stars; one submission).

Conditions:
Hypertrophic cardiomyopathy. Also called: HYPERTROPHIC MYOCARDIOPATHY. Identifiers: Orphanet 217569, MedGen C0007194, MeSH D002312, MONDO:0005045, HP:0001639.

Submission:

Labcorp Genetics (formerly Invitae), Labcorp
Classification: Uncertain significance for Hypertrophic cardiomyopathy. Last evaluated: 2024-09-20. Review status: criteria provided, single submitter. Criteria: Invitae Variant Classification Sherloc (09022015). Collection method: clinical testing. Allele origin: germline.
Comment: This sequence change falls in intron 29 of the MYOM1 gene. It does not directly change the encoded amino acid sequence of the MYOM1 protein. It affects a nucleotide within the consensus splice site. This variant is not present in population databases (gnomAD no frequency). This variant has not been reported in the literature in individuals affected with MYOM1-related conditions. Variants that disrupt the consensus splice site are a relatively common cause of aberrant splicing (PMID: 17576681, 9536098). Algorithms developed to predict the effect of sequence changes on RNA splicing suggest that this variant is not likely to affect RNA splicing. In summary, the available evidence is currently insufficient to determine the role of this variant in disease. Therefore, it has been classified as a Variant of Uncertain Significance.

Literature cited by the submitters: PubMed 17576681; PubMed 9536098.

NM_003803.4(MYOM1):c.4138-3T>C

Gene: MYOM1 (myomesin 1; minus strand). Cytogenetic location: 18p11.31.
Variant type: single nucleotide variant.
Coding change: c.4138-3T>C on transcript NM_003803.4 (MANE Select); 3 bases into the intron before coding-DNA position 4138, T replaced by C.
Molecular consequence: intron variant.
Genome position (GRCh38, 1-based): chr18:3,086,154, A>G on the plus strand (T>C on the coding strand, the complement: MYOM1 is on the minus strand). VCF-style: chr18-3086154-A-G. GRCh37 (hg19) VCF-style: chr18-3086152-A-G.
Other names: c.3850-3T>C (NM_019856.2).
Identifiers: ClinVar variation 3717651 (VCV003717651.2).